The following is an entry in ClinVar:

ClinVar aggregate classification (germline): Likely benign (0 of 4 stars; one submission).

Conditions:
LRFN5-related disorder. Also called: LRFN5-related condition.

Allele frequency attached by ClinVar (database versions not stated): gnomAD exomes 0.00034; ExAC 0.00099; 1000 Genomes Project 0.00260; 1000 Genomes Project 30x 0.00328; gnomAD 0.00334; TOPMed 0.00379; ESP Exome Variant Server 0.00446.
gnomAD v4.1: 1,044 of 1,613,944 alleles (0.065%); highest among the groups gnomAD compares: African/African-American, 1.2%; 5 homozygotes.

Submission:

PreventionGenetics, part of Exact Sciences
Classification: Likely benign for LRFN5-related condition. Last evaluated: 2019-04-05. Review status: no assertion criteria provided. Collection method: clinical testing. Allele origin: germline.
Comment: This variant is classified as likely benign based on ACMG/AMP sequence variant interpretation guidelines (Richards et al. 2015 PMID: 25741868, with internal and published modifications).

NM_152447.5(LRFN5):c.2043T>A (p.Arg681=)

Gene: LRFN5 (leucine rich repeat and fibronectin type III domain containing 5; plus strand). Cytogenetic location: 14q21.1.
Variant type: single nucleotide variant.
Coding change: c.2043T>A on transcript NM_152447.5 (MANE Select); coding-DNA position 2043, T replaced by A.
Protein change: p.Arg681=; no amino-acid change (arginine 681 retained).
Molecular consequence: synonymous variant. On other transcripts: non-coding transcript variant (2), intron variant (2).
Genome position (GRCh38, 1-based): chr14:41,891,907, T>A. VCF-style: chr14-41891907-T-A. GRCh37 (hg19) VCF-style: chr14-42361110-T-A.
Other names: c.2043T>A, p.Arg681= (NM_001346173.2); c.1385+3897T>A (NM_001330106.2, NM_001346175.2).
Identifiers: ClinVar variation 3045528 (VCV003045528.2), dbSNP rs112647558, ClinGen allele CA7165640.